The following is an entry in ClinVar:

NM_004281.4(BAG3):c.871T>A (p.Ser291Thr)

Gene: BAG3 (BAG cochaperone 3; plus strand). Cytogenetic location: 10q26.11.
Variant type: single nucleotide variant.
Coding change: c.871T>A on transcript NM_004281.4 (MANE Select); coding-DNA position 871, T replaced by A.
Protein change: p.Ser291Thr; replaces serine 291 with threonine.
Molecular consequence: missense variant.
Genome position (GRCh38, 1-based): chr10:119,672,618, T>A. VCF-style: chr10-119672618-T-A. GRCh37 (hg19) VCF-style: chr10-121432130-T-A.
Other names: short protein forms S291T.
Identifiers: ClinVar variation 2110708 (VCV002110708.4), dbSNP rs2494014770, ClinGen allele CA378296019.

ClinVar aggregate classification (germline): Uncertain significance (1 of 4 stars; one submission).

Conditions:
Myofibrillar myopathy 6. Identifiers: Orphanet 199340, MedGen C2751831, MONDO:0013061, OMIM 612954.
Dilated cardiomyopathy 1HH (CMD1HH). Identifiers: Orphanet 154, MedGen C3151293, MONDO:0013479, OMIM 613881.

Submission:

Labcorp Genetics (formerly Invitae), Labcorp
Classification: Uncertain significance for Dilated cardiomyopathy 1HH; Myofibrillar myopathy 6. Last evaluated: 2022-03-13. Review status: criteria provided, single submitter. Criteria: Invitae Variant Classification Sherloc (09022015). Collection method: clinical testing. Allele origin: germline.
Comment: This sequence change replaces serine, which is neutral and polar, with threonine, which is neutral and polar, at codon 291 of the BAG3 protein (p.Ser291Thr). In summary, the available evidence is currently insufficient to determine the role of this variant in disease. Therefore, it has been classified as a Variant of Uncertain Significance. Algorithms developed to predict the effect of missense changes on protein structure and function (SIFT, PolyPhen-2, Align-GVGD) all suggest that this variant is likely to be tolerated. This variant has not been reported in the literature in individuals affected with BAG3-related conditions. This variant is not present in population databases (gnomAD no frequency).